The following is an entry in ClinVar:

NM_033109.5(PNPT1):c.1099C>T (p.Leu367Phe)

Gene: PNPT1 (polyribonucleotide nucleotidyltransferase 1; minus strand). Cytogenetic location: 2p16.1.
Variant type: single nucleotide variant.
Coding change: c.1099C>T on transcript NM_033109.5 (MANE Select); coding-DNA position 1099, C replaced by T.
Protein change: p.Leu367Phe; replaces leucine 367 with phenylalanine.
Molecular consequence: missense variant.
Genome position (GRCh38, 1-based): chr2:55,667,068, G>A on the plus strand (C>T on the coding strand, the complement: PNPT1 is on the minus strand). VCF-style: chr2-55667068-G-A. GRCh37 (hg19) VCF-style: chr2-55894203-G-A.
Other names: short protein forms L367F.
Identifiers: ClinVar variation 1137037 (VCV001137037.14), dbSNP rs142840568, ClinGen allele CA1668221.

ClinVar aggregate classification (germline): Conflicting classifications of pathogenicity. Review status: criteria provided, conflicting classifications (1 of 4 stars). 2 submissions from 2 submitters: Uncertain significance (1); Likely benign (1). Last evaluated 2025-12-21.

Allele frequency attached by ClinVar (database versions not stated): gnomAD exomes 0.00002 and 0.00008; ExAC 0.00013; gnomAD 0.00025 and 0.00029; ESP Exome Variant Server 0.00031; TOPMed 0.00041.
gnomAD v4.1: 71 of 1,612,246 alleles (0.0044%); highest among the groups gnomAD compares: African/African-American, 0.068%; 1 homozygote.

Submissions (2):

GeneDx
Classification: Uncertain significance. Last evaluated: 2025-12-21. Review status: criteria provided, single submitter. Criteria: GeneDx Variant Classification Process June 2021. Collection method: clinical testing. Allele origin: germline. Affected: yes.
Comment: In silico analysis supports that this missense variant has a deleterious effect on protein structure/function; Has not been previously published as pathogenic or benign to our knowledge

Labcorp Genetics (formerly Invitae), Labcorp
Classification: Likely benign. Last evaluated: 2025-10-24. Review status: criteria provided, single submitter. Criteria: Invitae Variant Classification Sherloc (09022015). Collection method: clinical testing. Allele origin: germline.